The following is an entry in ClinVar:

ClinVar aggregate classification (germline): Uncertain significance. Review status: criteria provided, multiple submitters, no conflicts (2 of 4 stars). 2 submissions from 2 submitters: Uncertain significance (2). Last evaluated 2025-12-08.

Conditions:
Inborn genetic diseases. Identifiers: MedGen C0950123, MeSH D030342.
Hereditary spastic paraplegia 75. Also called: Spastic paraplegia 75, autosomal recessive. Identifiers: Orphanet 459056, MedGen C4225250, MONDO:0014729, OMIM 616680.

Allele frequency attached by ClinVar (database versions not stated): ExAC 0.00001; gnomAD 0.00001.
gnomAD v4.1: 5 of 1,613,844 alleles (0.00031%); highest among the groups gnomAD compares: Non-Finnish European, 0.00042%; no homozygotes.

Submissions (2):

Ambry Genetics
Classification: Uncertain significance for Inborn genetic diseases. Last evaluated: 2025-12-08. Review status: criteria provided, single submitter. Criteria: Ambry Variant Classification Scheme 2023. Collection method: clinical testing. Allele origin: germline.

Labcorp Genetics (formerly Invitae), Labcorp
Classification: Uncertain significance for Hereditary spastic paraplegia 75. Last evaluated: 2024-01-29. Review status: criteria provided, single submitter. Criteria: Invitae Variant Classification Sherloc (09022015). Collection method: clinical testing. Allele origin: germline.
Comment: This sequence change replaces serine, which is neutral and polar, with arginine, which is basic and polar, at codon 84 of the MAG protein (p.Ser84Arg). This variant is present in population databases (rs763042714, gnomAD 0.0009%). This variant has not been reported in the literature in individuals affected with MAG-related conditions. ClinVar contains an entry for this variant (Variation ID: 1432660). Advanced modeling of protein sequence and biophysical properties (such as structural, functional, and spatial information, amino acid conservation, physicochemical variation, residue mobility, and thermodynamic stability) performed at Invitae indicates that this missense variant is not expected to disrupt MAG protein function with a negative predictive value of 80%. In summary, the available evidence is currently insufficient to determine the role of this variant in disease. Therefore, it has been classified as a Variant of Uncertain Significance.

NM_002361.4(MAG):c.252C>A (p.Ser84Arg)

Gene: MAG (myelin associated glycoprotein; plus strand). Cytogenetic location: 19q13.12.
Variant type: single nucleotide variant.
Coding change: c.252C>A on transcript NM_002361.4 (MANE Select); coding-DNA position 252, C replaced by A.
Protein change: p.Ser84Arg; replaces serine 84 with arginine.
Molecular consequence: missense variant.
Genome position (GRCh38, 1-based): chr19:35,295,818, C>A. VCF-style: chr19-35295818-C-A. GRCh37 (hg19) VCF-style: chr19-35786721-C-A.
Other names: c.252C>A (NM_002361.3); c.177C>A, p.Ser59Arg (NM_001199216.2); c.252C>A, p.Ser84Arg (NM_080600.3); short protein forms S84R, S59R.
Identifiers: ClinVar variation 1432660 (VCV001432660.9), dbSNP rs763042714, ClinGen allele CA9375962.